The following is an entry in ClinVar:

NM_001042492.3(NF1):c.2726T>C (p.Val909Ala)

Gene: NF1 (neurofibromin 1; plus strand). Cytogenetic location: 17q11.2.
Variant type: single nucleotide variant.
Coding change: c.2726T>C on transcript NM_001042492.3 (MANE Select); coding-DNA position 2726, T replaced by C.
Protein change: p.Val909Ala; replaces valine 909 with alanine.
Molecular consequence: missense variant.
Genome position (GRCh38, 1-based): chr17:31,229,341, T>C. VCF-style: chr17-31229341-T-C. GRCh37 (hg19) VCF-style: chr17-29556359-T-C.
Other names: c.2726T>C, p.Val909Ala (NM_000267.4); short protein forms V909A.
Identifiers: ClinVar variation 2452249 (VCV002452249.2), dbSNP rs2508187650, ClinGen allele CA398985190.

ClinVar aggregate classification (germline): Uncertain significance (1 of 4 stars; one submission).

Conditions:
Hereditary cancer-predisposing syndrome. Also called: Neoplastic Syndromes, Hereditary; Tumor predisposition; Hereditary neoplastic syndrome; Hereditary Cancer Syndrome. Identifiers: Orphanet 140162, MedGen C0027672, MeSH D009386, MONDO:0015356.
Cardiovascular phenotype. Identifiers: MedGen CN230736.

Submission:

Ambry Genetics
Classification: Uncertain significance for Cardiovascular phenotype; Hereditary cancer-predisposing syndrome. Last evaluated: 2022-12-29. Review status: criteria provided, single submitter. Criteria: Ambry Variant Classification Scheme 2023. Collection method: clinical testing. Allele origin: germline.
Comment: The p.V909A variant (also known as c.2726T>C), located in coding exon 21 of the NF1 gene, results from a T to C substitution at nucleotide position 2726. The valine at codon 909 is replaced by alanine, an amino acid with similar properties. This amino acid position is conserved. In addition, this alteration is predicted to be deleterious by in silico analysis. Since supporting evidence is limited at this time, the clinical significance of this alteration remains unclear.